The following is an entry in ClinVar:

ClinVar aggregate classification (germline): Uncertain significance (1 of 4 stars; one submission).

Conditions:
PKD1-related disorder. Also called: PKD1-related condition.

Submission:

PreventionGenetics, part of Exact Sciences
Classification: Uncertain significance for PKD1-related condition. Last evaluated: 2026-05-03. Review status: criteria provided, single submitter. Criteria: ACMG Guidelines, 2015. Collection method: clinical testing. Allele origin: germline.
Comment: The PKD1 c.1772C>G variant is predicted to result in the amino acid substitution p.Thr591Arg. To our knowledge, this variant has not been reported in the literature or in a large population database (gnomAD), indicating this variant is rare. At this time, the clinical significance of this variant is uncertain due to the absence of conclusive functional and genetic evidence.

NM_001009944.3(PKD1):c.1772C>G (p.Thr591Arg)

Gene: PKD1 (polycystin 1, transient receptor potential channel interacting; minus strand). Cytogenetic location: 16p13.3.
Variant type: single nucleotide variant.
Coding change: c.1772C>G on transcript NM_001009944.3 (MANE Select); coding-DNA position 1772, C replaced by G.
Protein change: p.Thr591Arg; replaces threonine 591 with arginine.
Molecular consequence: missense variant.
Genome position (GRCh38, 1-based): chr16:2,116,069, G>C on the plus strand (C>G on the coding strand, the complement: PKD1 is on the minus strand). VCF-style: chr16-2116069-G-C. GRCh37 (hg19) VCF-style: chr16-2166070-G-C.
Other names: c.1772C>G, p.Thr591Arg (NM_000296.4); short protein forms T591R.
Identifiers: ClinVar variation 4995398 (VCV004995398.1).